The following is an entry in ClinVar:

NM_177438.3(DICER1):c.3270-13A>C

Gene: DICER1 (dicer 1, ribonuclease III; minus strand). Cytogenetic location: 14q32.13.
Variant type: single nucleotide variant.
Coding change: c.3270-13A>C on transcript NM_177438.3 (MANE Select); 13 bases into the intron before coding-DNA position 3270, A replaced by C.
Molecular consequence: intron variant.
Genome position (GRCh38, 1-based): chr14:95,104,139, T>G on the plus strand (A>C on the coding strand, the complement: DICER1 is on the minus strand). VCF-style: chr14-95104139-T-G. GRCh37 (hg19) VCF-style: chr14-95570476-T-G.
Other names: c.3270-13A>C (NM_001291628.2, NM_030621.4, NM_001271282.3 and 1 more transcripts).
Identifiers: ClinVar variation 1560429 (VCV001560429.10), dbSNP rs754566245, ClinGen allele CA7331063.

ClinVar aggregate classification (germline): Likely benign. Review status: criteria provided, multiple submitters, no conflicts (2 of 4 stars). 2 submissions from 2 submitters: Likely benign (2). Last evaluated 2026-04-13.

Conditions:
DICER1-related tumor predisposition. Also called: DICER1-related pleuropulmonary blastoma cancer predisposition syndrome; DICER1 syndrome. Identifiers: Orphanet 284343, MedGen C3839822, MONDO:0100216.

Allele frequency attached by ClinVar (database versions not stated): ExAC 0.00002; TOPMed 0.00001; gnomAD exomes 0.00002.

Submissions (2):

Myriad Genetics, Inc.
Classification: Likely benign for DICER1-related tumor predisposition. Last evaluated: 2026-04-13. Review status: criteria provided, single submitter. Criteria: Myriad Autosomal Dominant, Autosomal Recessive and X-Linked Classification Criteria (2023). Collection method: clinical testing. Allele origin: unknown.
Comment: This variant is considered likely benign. This variant is intronic and is not expected to impact mRNA splicing.

Labcorp Genetics (formerly Invitae), Labcorp
Classification: Likely benign for DICER1-related tumor predisposition. Last evaluated: 2026-01-14. Review status: criteria provided, single submitter. Criteria: Invitae Variant Classification Sherloc (09022015). Collection method: clinical testing. Allele origin: germline.